The following is an entry in ClinVar:

ClinVar aggregate classification (germline): Likely benign (1 of 4 stars; one submission).

Conditions:
HDAC4-related disorder. Also called: HDAC4-related condition.

gnomAD v4.1: 96 of 1,614,032 alleles (0.0059%); highest among the groups gnomAD compares: African/African-American, 0.04%; 1 homozygote.

Submission:

PreventionGenetics, part of Exact Sciences
Classification: Likely benign for HDAC4-related condition. Last evaluated: 2025-11-26. Review status: criteria provided, single submitter. Criteria: ACMG Guidelines, 2015. Collection method: clinical testing. Allele origin: germline.
Comment: This variant is classified as likely benign based on ACMG/AMP sequence variant interpretation guidelines (Richards et al. 2015 PMID: 25741868, with internal and published modifications).

NM_001378414.1(HDAC4):c.852G>A (p.Pro284=)

Gene: HDAC4 (histone deacetylase 4; minus strand). Cytogenetic location: 2q37.3.
Variant type: single nucleotide variant.
Coding change: c.852G>A on transcript NM_001378414.1 (MANE Select); coding-DNA position 852, G replaced by A.
Protein change: p.Pro284=; no amino-acid change (proline 284 retained).
Molecular consequence: synonymous variant.
Genome position (GRCh38, 1-based): chr2:239,144,596, C>T on the plus strand (G>A on the coding strand, the complement: HDAC4 is on the minus strand). VCF-style: chr2-239144596-C-T. GRCh37 (hg19) VCF-style: chr2-240066292-C-T.
Other names: c.852G>A, p.Pro284= (NM_001378415.1, NM_001378416.1, NM_001378417.1 and 1 more transcripts); c.771G>A, p.Pro257= (NM_001435991.1, NM_001435992.1, NM_001435994.1 and 1 more transcripts); c.708G>A, p.Pro236= (NM_001435993.1); c.837G>A, p.Pro279= (NM_001435996.1).
Identifiers: ClinVar variation 4983792 (VCV004983792.1).